The following is an entry in ClinVar:

ClinVar aggregate classification (germline): Uncertain significance. Review status: criteria provided, multiple submitters, no conflicts (2 of 4 stars). 3 submissions from 3 submitters: Uncertain significance (3). Last evaluated 2024-11-30.

Conditions:
Pallister-Hall syndrome (PHS). Also called: GLI3-Related Pallister-Hall Syndrome; HYPOTHALAMIC HAMARTOBLASTOMA, HYPOPITUITARISM, IMPERFORATE ANUS, AND POSTAXIAL POLYDACTYLY. Identifiers: Orphanet 672, MedGen C0265220, MONDO:0007804, OMIM 146510.
Polydactyly, postaxial, type A1. Identifiers: MedGen C4282400, MONDO:0008266, OMIM 174200.
Polysyndactyly 4. Also called: Polysyndactyly uncomplicated; Preaxial polydactyly 4. Identifiers: Orphanet 93338, MedGen C1868111, MONDO:0008272, OMIM 174700.
Greig cephalopolysyndactyly syndrome (GCPS). Also called: GLI3-Related Greig Cephalopolysyndactyly Syndrome; POLYSYNDACTYLY WITH PECULIAR SKULL SHAPE; Greig syndrome. Identifiers: Orphanet 380, MedGen C0265306, MONDO:0008287, OMIM 175700.

Allele frequency attached by ClinVar (database versions not stated): gnomAD exomes below 0.00001; gnomAD 0.00001.
gnomAD v4.1: 3 of 1,614,052 alleles (0.00019%); highest among the groups gnomAD compares: Admixed American, 0.0017%; no homozygotes.

Submissions (3):

Labcorp Genetics (formerly Invitae), Labcorp
Classification: Uncertain significance for Pallister-Hall syndrome; Greig cephalopolysyndactyly syndrome. Last evaluated: 2024-11-30. Review status: criteria provided, single submitter. Criteria: Invitae Variant Classification Sherloc (09022015). Collection method: clinical testing. Allele origin: germline.
Comment: This sequence change replaces glutamic acid, which is acidic and polar, with lysine, which is basic and polar, at codon 776 of the GLI3 protein (p.Glu776Lys). This variant is not present in population databases (gnomAD no frequency). This variant has not been reported in the literature in individuals affected with GLI3-related conditions. ClinVar contains an entry for this variant (Variation ID: 2924241). Invitae Evidence Modeling of protein sequence and biophysical properties (such as structural, functional, and spatial information, amino acid conservation, physicochemical variation, residue mobility, and thermodynamic stability) indicates that this missense variant is not expected to disrupt GLI3 protein function with a negative predictive value of 95%. In summary, the available evidence is currently insufficient to determine the role of this variant in disease. Therefore, it has been classified as a Variant of Uncertain Significance.

ARUP Laboratories, Molecular Genetics and Genomics, ARUP Laboratories
Classification: Uncertain significance. Last evaluated: 2024-08-09. Review status: criteria provided, single submitter. Criteria: ARUP Molecular Germline Variant Investigation Process 2024. Collection method: clinical testing. Allele origin: germline.

Fulgent Genetics
Classification: Uncertain significance for Pallister-Hall syndrome; Polydactyly, postaxial, type A1; Polysyndactyly 4; Greig cephalopolysyndactyly syndrome. Last evaluated: 2024-03-11. Review status: criteria provided, single submitter. Criteria: ACMG Guidelines, 2015. Collection method: clinical testing. Allele origin: germline.

NM_000168.6(GLI3):c.2326G>A (p.Glu776Lys)

Gene: GLI3 (GLI family zinc finger 3; minus strand). Cytogenetic location: 7p14.1.
Variant type: single nucleotide variant.
Coding change: c.2326G>A on transcript NM_000168.6 (MANE Select); coding-DNA position 2326, G replaced by A.
Protein change: p.Glu776Lys; replaces glutamic acid 776 with lysine.
Molecular consequence: missense variant.
Genome position (GRCh38, 1-based): chr7:41,967,701, C>T on the plus strand (G>A on the coding strand, the complement: GLI3 is on the minus strand). VCF-style: chr7-41967701-C-T. GRCh37 (hg19) VCF-style: chr7-42007299-C-T.
Other names: short protein forms E776K.
Identifiers: ClinVar variation 2924241 (VCV002924241.5), dbSNP rs979389675, ClinGen allele CA156909199.